The following is an entry in ClinVar:

NM_018706.7(DHTKD1):c.1721C>T (p.Ala574Val)

Gene: DHTKD1 (dehydrogenase E1 and transketolase domain containing 1; plus strand). Cytogenetic location: 10p14.
Variant type: single nucleotide variant.
Coding change: c.1721C>T on transcript NM_018706.7 (MANE Select); coding-DNA position 1721, C replaced by T.
Protein change: p.Ala574Val; replaces alanine 574 with valine.
Molecular consequence: missense variant.
Genome position (GRCh38, 1-based): chr10:12,100,227, C>T. VCF-style: chr10-12100227-C-T. GRCh37 (hg19) VCF-style: chr10-12142226-C-T.
Other names: short protein forms A574V.
Identifiers: ClinVar variation 1391120 (VCV001391120.7), dbSNP rs757993723, ClinGen allele CA5407940.
Genomic context (GRCh38, chr10:12,100,227, plus strand): 5'-GAATTTTACAGTCCAGAATGGAGAAGATGATGGACGGAATCAAGCTAGACTGGGCCACCG[C>T]GGAAGCTCTTGCCTTGGGTTCTTTACTTGCTCAAGGTAAGAATTTTCTTTTTTTTTTCTG-3'
Protein context (NP_061176.4, residues 564-584): MDGIKLDWAT[Ala574Val]EALALGSLLA

ClinVar aggregate classification (germline): Uncertain significance. Review status: criteria provided, multiple submitters, no conflicts (2 of 4 stars). 2 submissions from 2 submitters: Uncertain significance (2). Last evaluated 2025-10-13.

Conditions:
2-aminoadipic 2-oxoadipic aciduria (AAKAD). Also called: Aminoadipic aciduria; ALPHA-AMINOADIPIC AND ALPHA-KETOADIPIC ACIDURIA. Identifiers: Orphanet 79154, MedGen C1859817, MONDO:0008774, OMIM 204750.

Allele frequency attached by ClinVar (database versions not stated): TOPMed 0.00002; gnomAD 0.00003 and 0.00004; ExAC 0.00004; gnomAD exomes 0.00004.

Submissions (2):

Women's Health and Genetics/Laboratory Corporation of America, LabCorp
Classification: Uncertain significance. Last evaluated: 2025-10-13. Review status: criteria provided, single submitter. Criteria: LabCorp Variant Classification Summary - May 2015. Collection method: clinical testing. Allele origin: germline.
Comment: Variant summary: DHTKD1 c.1721C>T (p.Ala574Val) results in a non-conservative amino acid change in the encoded protein sequence. Algorithms developed to predict the effect of missense changes on protein structure and function all suggest that this variant is likely to be disruptive. The variant allele was found at a frequency of 4.5e-05 in 223754 control chromosomes. This frequency is not significantly higher than estimated for disease-causing variants in DHTKD1, allowing no conclusion about variant significance. c.1721C>T has been observed in at least one individual with suspected Charcot-Marie-Tooth disease (example: Yalcintepe_2021). This report does not provide unequivocal conclusions about association of the variant with DHTKD1-related disorders. To our knowledge, no experimental evidence demonstrating an impact on protein function has been reported. The following publication has been ascertained in the context of this evaluation (PMID: 34169998). ClinVar contains an entry for this variant (Variation ID: 1391120). Based on the evidence outlined above, the variant was classified as uncertain significance.

Labcorp Genetics (formerly Invitae), Labcorp
Classification: Uncertain significance for 2-aminoadipic 2-oxoadipic aciduria. Last evaluated: 2025-07-21. Review status: criteria provided, single submitter. Criteria: Invitae Variant Classification Sherloc (09022015). Collection method: clinical testing. Allele origin: germline.
Comment: This sequence change replaces alanine, which is neutral and non-polar, with valine, which is neutral and non-polar, at codon 574 of the DHTKD1 protein (p.Ala574Val). The frequency data for this variant in the population databases is considered unreliable, as metrics indicate poor data quality at this position in the gnomAD database. This missense change has been observed in individual(s) with clinical features of Charcot-Marie-Tooth disease (PMID: 34169998). ClinVar contains an entry for this variant (Variation ID: 1391120). Invitae Evidence Modeling of protein sequence and biophysical properties (such as structural, functional, and spatial information, amino acid conservation, physicochemical variation, residue mobility, and thermodynamic stability) indicates that this missense variant is not expected to disrupt DHTKD1 protein function with a negative predictive value of 80%. In summary, the available evidence is currently insufficient to determine the role of this variant in disease. Therefore, it has been classified as a Variant of Uncertain Significance.

Literature cited by the submitters: PubMed 34169998 (cited by Women's Health and Genetics/Laboratory Corporation of America, LabCorp and Labcorp Genetics (formerly Invitae), Labcorp).